The following is an entry in ClinVar:

ClinVar aggregate classification (germline): Uncertain significance (1 of 4 stars; one submission).

Allele frequency attached by ClinVar (database versions not stated): gnomAD exomes below 0.00001; TOPMed below 0.00001.
gnomAD v4.1: 3 of 1,611,320 alleles (0.00019%); highest among the groups gnomAD compares: Non-Finnish European, 0.00025%; no homozygotes.

Submission:

Labcorp Genetics (formerly Invitae), Labcorp
Classification: Uncertain significance. Last evaluated: 2026-01-27. Review status: criteria provided, single submitter. Criteria: Invitae Variant Classification Sherloc (09022015). Collection method: clinical testing. Allele origin: germline.
Comment: This sequence change replaces alanine, which is neutral and non-polar, with valine, which is neutral and non-polar, at codon 639 of the SI protein (p.Ala639Val). This variant is not present in population databases (gnomAD no frequency). This variant has not been reported in the literature in individuals affected with SI-related conditions. ClinVar contains an entry for this variant (Variation ID: 2001871). Invitae Evidence Modeling of protein sequence and biophysical properties (such as structural, functional, and spatial information, amino acid conservation, physicochemical variation, residue mobility, and thermodynamic stability) indicates that this missense variant is not expected to disrupt SI protein function with a negative predictive value of 95%. In summary, the available evidence is currently insufficient to determine the role of this variant in disease. Therefore, it has been classified as a Variant of Uncertain Significance.

NM_001041.4(SI):c.1916C>T (p.Ala639Val)

Gene: SI (sucrase-isomaltase; minus strand). Cytogenetic location: 3q26.1.
Variant type: single nucleotide variant.
Coding change: c.1916C>T on transcript NM_001041.4 (MANE Select); coding-DNA position 1916, C replaced by T.
Protein change: p.Ala639Val; replaces alanine 639 with valine.
Molecular consequence: missense variant.
Genome position (GRCh38, 1-based): chr3:165,043,147, G>A on the plus strand (C>T on the coding strand, the complement: SI is on the minus strand). VCF-style: chr3-165043147-G-A. GRCh37 (hg19) VCF-style: chr3-164760935-G-A.
Other names: short protein forms A639V.
Identifiers: ClinVar variation 2001871 (VCV002001871.4), dbSNP rs1712934716, ClinGen allele CA355051073.